The following is an entry in ClinVar:

NM_198253.3(TERT):c.2866G>A (p.Ala956Thr)

Gene: TERT (telomerase reverse transcriptase; minus strand). Cytogenetic location: 5p15.33.
Variant type: single nucleotide variant.
Coding change: c.2866G>A on transcript NM_198253.3 (MANE Select); coding-DNA position 2866, G replaced by A.
Protein change: p.Ala956Thr; replaces alanine 956 with threonine.
Molecular consequence: missense variant. On other transcripts: non-coding transcript variant (2).
Genome position (GRCh38, 1-based): chr5:1,260,578, C>T on the plus strand (G>A on the coding strand, the complement: TERT is on the minus strand). VCF-style: chr5-1260578-C-T. GRCh37 (hg19) VCF-style: chr5-1260693-C-T.
Other names: c.2677G>A, p.Ala893Thr (NM_001193376.3); c.2866G>A, p.Ala956Thr (NM_003219.1); short protein forms A956T, A893T.
Identifiers: ClinVar variation 2011739 (VCV002011739.5), dbSNP rs2478130549, ClinGen allele CA359070460.

ClinVar aggregate classification (germline): Uncertain significance. Review status: criteria provided, multiple submitters, no conflicts (2 of 4 stars). 2 submissions from 2 submitters: Uncertain significance (2). Last evaluated 2023-11-21.

Conditions:
Dyskeratosis congenita, autosomal dominant 2. Identifiers: MedGen C3151443, MONDO:0013521, OMIM 613989.
Idiopathic Pulmonary Fibrosis. Also called: Idiopathic fibrosing alveolitis, chronic form; idiopathic fibrosing alveolitis. Identifiers: Orphanet 2032, MedGen C1800706, MeSH D054990, MONDO:0800504.
Dyskeratosis congenita. Identifiers: Orphanet 1775, MedGen C0265965, MONDO:0015780.

Submissions (2):

Ambry Genetics
Classification: Uncertain significance for Dyskeratosis congenita. Last evaluated: 2023-11-21. Review status: criteria provided, single submitter. Criteria: Ambry Variant Classification Scheme 2023. Collection method: clinical testing. Allele origin: germline.
Comment: The p.A956T variant (also known as c.2866G>A), located in coding exon 12 of the TERT gene, results from a G to A substitution at nucleotide position 2866. The alanine at codon 956 is replaced by threonine, an amino acid with similar properties. This amino acid position is conserved. In addition, this alteration is predicted to be tolerated by in silico analysis. Since supporting evidence is limited at this time, the clinical significance of this alteration remains unclear.

Labcorp Genetics (formerly Invitae), Labcorp
Classification: Uncertain significance for Dyskeratosis congenita, autosomal dominant 2; Idiopathic Pulmonary Fibrosis. Last evaluated: 2022-06-28. Review status: criteria provided, single submitter. Criteria: Invitae Variant Classification Sherloc (09022015). Collection method: clinical testing. Allele origin: germline.
Comment: In summary, the available evidence is currently insufficient to determine the role of this variant in disease. Therefore, it has been classified as a Variant of Uncertain Significance. Advanced modeling of protein sequence and biophysical properties (such as structural, functional, and spatial information, amino acid conservation, physicochemical variation, residue mobility, and thermodynamic stability) performed at Invitae indicates that this missense variant is not expected to disrupt TERT protein function. This variant has not been reported in the literature in individuals affected with TERT-related conditions. This variant is not present in population databases (gnomAD no frequency). This sequence change replaces alanine, which is neutral and non-polar, with threonine, which is neutral and polar, at codon 956 of the TERT protein (p.Ala956Thr).